The following is an entry in ClinVar:

ClinVar aggregate classification (germline): Uncertain significance (1 of 4 stars; one submission).

Submission:

GeneDx
Classification: Uncertain significance. Last evaluated: 2025-01-17. Review status: criteria provided, single submitter. Criteria: GeneDx Variant Classification Process June 2021. Collection method: clinical testing. Allele origin: germline. Affected: yes.
Comment: Not observed at significant frequency in large population cohorts (gnomAD); In silico analysis supports that this missense variant has a deleterious effect on protein structure/function; Has not been previously published as pathogenic or benign to our knowledge

NM_003737.4(DCHS1):c.1265A>T (p.Tyr422Phe)

Gene: DCHS1 (dachsous cadherin-related 1; minus strand). Cytogenetic location: 11p15.4.
Variant type: single nucleotide variant.
Coding change: c.1265A>T on transcript NM_003737.4 (MANE Select); coding-DNA position 1265, A replaced by T.
Protein change: p.Tyr422Phe; replaces tyrosine 422 with phenylalanine.
Molecular consequence: missense variant.
Genome position (GRCh38, 1-based): chr11:6,640,349, T>A on the plus strand (A>T on the coding strand, the complement: DCHS1 is on the minus strand). VCF-style: chr11-6640349-T-A. GRCh37 (hg19) VCF-style: chr11-6661580-T-A.
Other names: short protein forms Y422F.
Identifiers: ClinVar variation 4070688 (VCV004070688.1).